The following is an entry in ClinVar:

NM_020547.3(AMHR2):c.658G>C (p.Gly220Arg)

Gene: AMHR2 (anti-Mullerian hormone receptor type 2; plus strand). Cytogenetic location: 12q13.13.
Variant type: single nucleotide variant.
Coding change: c.658G>C on transcript NM_020547.3 (MANE Select); coding-DNA position 658, G replaced by C.
Protein change: p.Gly220Arg; replaces glycine 220 with arginine.
Molecular consequence: missense variant.
Genome position (GRCh38, 1-based): chr12:53,425,725, G>C. VCF-style: chr12-53425725-G-C. GRCh37 (hg19) VCF-style: chr12-53819509-G-C.
Other names: c.658G>C, p.Gly220Arg (NM_001164690.2, NM_001164691.2); short protein forms G220R.
Identifiers: ClinVar variation 1508401 (VCV001508401.6), dbSNP rs142124054, ClinGen allele CA6600422.

ClinVar aggregate classification (germline): Uncertain significance (1 of 4 stars; one submission).

gnomAD v4.1: 22 of 1,614,010 alleles (0.0014%); highest among the groups gnomAD compares: Non-Finnish European, 0.0018%; no homozygotes.

Submission:

Labcorp Genetics (formerly Invitae), Labcorp
Classification: Uncertain significance. Last evaluated: 2021-09-03. Review status: criteria provided, single submitter. Criteria: Invitae Variant Classification Sherloc (09022015). Collection method: clinical testing. Allele origin: germline.
Comment: Algorithms developed to predict the effect of missense changes on protein structure and function (SIFT, PolyPhen-2, Align-GVGD) all suggest that this variant is likely to be disruptive. This sequence change replaces glycine with arginine at codon 220 of the AMHR2 protein (p.Gly220Arg). The glycine residue is highly conserved and there is a moderate physicochemical difference between glycine and arginine. This variant is present in population databases (rs142124054, ExAC 0.002%). This missense change has been observed in individual(s) with clinical features of persistent Müllerian duct syndrome (Invitae). In summary, the available evidence is currently insufficient to determine the role of this variant in disease. Therefore, it has been classified as a Variant of Uncertain Significance.